The following is an entry in ClinVar:

ClinVar aggregate classification (germline): Uncertain significance (1 of 4 stars; one submission).

Conditions:
Autosomal recessive limb-girdle muscular dystrophy type 2A (LGMDR1). Also called: Limb-girdle muscular dystrophy, type 2A; Calpainopathy; LEYDEN-MOEBIUS MUSCULAR DYSTROPHY; MUSCULAR DYSTROPHY, PELVOFEMORAL; Muscular dystrophy, limb-girdle, type 2A, Amish. Identifiers: Orphanet 267, MedGen C1869123, MONDO:0009675, OMIM 253600. Disease mechanism: loss of function.

gnomAD v4.1: 2 of 1,614,214 alleles (0.00012%); highest among the groups gnomAD compares: African/African-American, 0.0027%; no homozygotes.

Submission:

Labcorp Genetics (formerly Invitae), Labcorp
Classification: Uncertain significance for Autosomal recessive limb-girdle muscular dystrophy type 2A. Last evaluated: 2025-06-12. Review status: criteria provided, single submitter. Criteria: Invitae Variant Classification Sherloc (09022015). Collection method: clinical testing. Allele origin: germline.
Comment: This sequence change replaces glutamine, which is neutral and polar, with proline, which is neutral and non-polar, at codon 521 of the CAPN3 protein (p.Gln521Pro). This variant is present in population databases (rs765679186, gnomAD 0.01%). This variant has not been reported in the literature in individuals affected with CAPN3-related conditions. ClinVar contains an entry for this variant (Variation ID: 1968042). Invitae Evidence Modeling of protein sequence and biophysical properties (such as structural, functional, and spatial information, amino acid conservation, physicochemical variation, residue mobility, and thermodynamic stability) indicates that this missense variant is not expected to disrupt CAPN3 protein function with a negative predictive value of 80%. In summary, the available evidence is currently insufficient to determine the role of this variant in disease. Therefore, it has been classified as a Variant of Uncertain Significance.

NM_000070.3(CAPN3):c.1562A>C (p.Gln521Pro)

Gene: CAPN3 (calpain 3; plus strand). Cytogenetic location: 15q15.1.
Variant type: single nucleotide variant.
Coding change: c.1562A>C on transcript NM_000070.3 (MANE Select); coding-DNA position 1562, A replaced by C.
Protein change: p.Gln521Pro; replaces glutamine 521 with proline.
Molecular consequence: missense variant.
Genome position (GRCh38, 1-based): chr15:42,402,819, A>C. VCF-style: chr15-42402819-A-C. GRCh37 (hg19) VCF-style: chr15-42695017-A-C.
Other names: c.1562A>C, p.Gln521Pro (NM_024344.2); c.1418A>C, p.Gln473Pro (NM_173087.2); c.26A>C, p.Gln9Pro (NM_173088.2); c.*678A>C (NM_212464.2); c.*1255A>C (NM_212467.2); short protein forms Q521P, Q473P, Q9P.
Identifiers: ClinVar variation 1968042 (VCV001968042.4), dbSNP rs765679186, ClinGen allele CA7511437.